The following is an entry in ClinVar:

NM_006180.6(NTRK2):c.1285G>A (p.Glu429Lys)

Gene: NTRK2 (neurotrophic receptor tyrosine kinase 2; plus strand). Cytogenetic location: 9q21.33.
Variant type: single nucleotide variant.
Coding change: c.1285G>A on transcript NM_006180.6 (MANE Select); coding-DNA position 1285, G replaced by A.
Protein change: p.Glu429Lys; replaces glutamic acid 429 with lysine.
Molecular consequence: missense variant.
Genome position (GRCh38, 1-based): chr9:84,745,062, G>A. VCF-style: chr9-84745062-G-A. GRCh37 (hg19) VCF-style: chr9-87359977-G-A.
Other names: c.1285G>A, p.Glu429Lys (NM_001007097.3, NM_001018064.3, NM_001018065.2 and 15 more transcripts); c.1246G>A, p.Glu416Lys (NM_001291937.2, NM_001369546.1); c.1249G>A, p.Glu417Lys (NM_001369534.1); c.817G>A, p.Glu273Lys (NM_001369535.1, NM_001369536.1, NM_001369550.1 and 2 more transcripts); short protein forms E416K, E429K, E273K, E417K.
Identifiers: ClinVar variation 4996658 (VCV004996658.1).

ClinVar aggregate classification (germline): Uncertain significance (1 of 4 stars; one submission).

Conditions:
NTRK2-related disorder. Also called: NTRK2-related condition.

gnomAD v4.1: 2 of 1,613,196 alleles (0.00012%); highest among the groups gnomAD compares: African/African-American, 0.0013%; no homozygotes.

Submission:

PreventionGenetics, part of Exact Sciences
Classification: Uncertain significance for NTRK2-related condition. Last evaluated: 2026-08-20. Review status: criteria provided, single submitter. Criteria: ACMG Guidelines, 2015. Collection method: clinical testing. Allele origin: germline.
Comment: The NTRK2 c.1285G>A variant is predicted to result in the amino acid substitution p.Glu429Lys. To our knowledge, this variant has not been reported in the literature. This variant is reported in 0.011% of alleles in individuals of African descent in gnomAD. At this time, the clinical significance of this variant is uncertain due to the absence of conclusive functional and genetic evidence.